The following is an entry in ClinVar:

NM_024835.5(GGNBP2):c.1980C>A (p.Ser660Arg)

Gene: GGNBP2 (gametogenetin binding protein 2; plus strand). Cytogenetic location: 17q12.
Variant type: single nucleotide variant.
Coding change: c.1980C>A on transcript NM_024835.5 (MANE Select); coding-DNA position 1980, C replaced by A.
Protein change: p.Ser660Arg; replaces serine 660 with arginine.
Molecular consequence: missense variant.
Genome position (GRCh38, 1-based): chr17:36,589,297, C>A. VCF-style: chr17-36589297-C-A. GRCh37 (hg19) VCF-style: chr17-34945727-C-A.
Other names: short protein forms S660R.
Identifiers: ClinVar variation 4985303 (VCV004985303.1).

ClinVar aggregate classification (germline): Uncertain significance (1 of 4 stars; one submission).

Conditions:
GGNBP2-related disorder. Also called: GGNBP2-related condition.

gnomAD v4.1: 1 of 1,611,794 alleles (0.000062%); highest among the groups gnomAD compares: Non-Finnish European, 0.000085%; no homozygotes.

Submission:

PreventionGenetics, part of Exact Sciences
Classification: Uncertain significance for GGNBP2-related condition. Last evaluated: 2025-11-26. Review status: criteria provided, single submitter. Criteria: ACMG Guidelines, 2015. Collection method: clinical testing. Allele origin: germline.
Comment: The GGNBP2 c.1980C>A variant is predicted to result in the amino acid substitution p.Ser660Arg. To our knowledge, this variant has not been reported in the literature. This variant is reported in 0.00088% of alleles in individuals of European (Non-Finnish) descent in gnomAD. At this time, the clinical significance of this variant is uncertain due to the absence of conclusive functional and genetic evidence.